The following is an entry in ClinVar:

ClinVar aggregate classification (germline): Benign/Likely benign. Review status: criteria provided, multiple submitters, no conflicts (2 of 4 stars). 6 submissions from 6 submitters: Benign (3); Likely benign (1). 2 of the submissions do not count toward it. Last evaluated 2020-09-30.

Conditions:
Cardiomyopathy (CMYO). Also called: Cardiomyopathies. Identifiers: Orphanet 167848, MedGen C0878544, MONDO:0004994, HP:0001638. Inheritance: Various modes of inheritance.

Submissions (6):

CHEO Genetics Diagnostic Laboratory, Children's Hospital of Eastern Ontario
Classification: Benign for Cardiomyopathy. Last evaluated: 2020-09-30. Review status: criteria provided, single submitter. Criteria: ACMG Guidelines, 2015. Collection method: clinical testing. Allele origin: germline.

GeneDx
Classification: Benign. Last evaluated: 2019-08-19. Review status: criteria provided, single submitter. Criteria: GeneDx Variant Classification Process June 2021. Collection method: clinical testing. Allele origin: germline. Affected: yes.

Women's Health and Genetics/Laboratory Corporation of America, LabCorp
Classification: Benign. Last evaluated: 2018-01-12. Review status: criteria provided, single submitter. Criteria: LabCorp Variant Classification Summary - May 2015. Collection method: clinical testing. Allele origin: germline.
Comment: Variant summary: The RYR2 c.14091-11dupT variant involves the alteration of an intronic nucleotide in a poly-T stretch. One in silico tool predicts a benign outcome for this variant. 5/5 splice prediction tools predict no significant impact on normal splicing. However, these predictions have yet to be confirmed by functional studies. This variant was found in 10364/27792 control chromosomes (1716 homozygotes)in gnomAD at a frequency of 0.3729131, which is approximately 6780 times the estimated maximal expected allele frequency of a pathogenic RYR2 variant (0.000055), suggesting this variant is likely a benign polymorphism. In addition, one laboratory classified this variant as likely benign. The variant of interest has not, to our knowledge, been reported in affected individuals via publications and/or reputable databases/clinical diagnostic laboratories; nor evaluated for functional impact by in vivo/vitro studies. Taken together, this variant is classified as benign.

Laboratory for Molecular Medicine, Mass General Brigham Personalized Medicine
Classification: Likely benign. Last evaluated: 2011-09-28. Review status: criteria provided, single submitter. Criteria: LMM Criteria. Collection method: clinical testing. Allele origin: germline. Observed: 495 variant alleles.
Comment: 14091-11_14091-10insT in intron 97 of RYR2: This variant is not expected to have clinical significance because it is located outside the conserved +/- 1, 2 regi on of the splicing consensus sequence and as part of a polyT stretch. This vari ant has been reported in dbSNP (rs72027983 & rs55683196) without frequency infor mation.

Clinical Genetics, Academic Medical Center
Classification: Benign. Review status: no assertion criteria provided. Collection method: clinical testing. Allele origin: germline. Affected: yes. Study: VKGL Data-share Consensus. Not counted in ClinVar's aggregate classification.

Diagnostic Laboratory, Department of Genetics, University Medical Center Groningen
Classification: Benign. Review status: no assertion criteria provided. Collection method: clinical testing. Allele origin: germline. Affected: yes. Study: VKGL Data-share Consensus. Not counted in ClinVar's aggregate classification.

NM_001035.2(RYR2):c.14091-11dup

Gene: RYR2 (ryanodine receptor 2; plus strand). Cytogenetic location: 1q43.
Variant type: Duplication.
Coding change: c.14091-11dup on transcript NM_001035.2; 11 bases into the intron before coding-DNA position 14091, one base duplicated (T; older notation c.14091-11dupT).
Molecular consequence: intron variant (on NM_001035.3).
Genome position (GRCh38, 1-based): chr1:237,801,845, T duplicated; the last of 12 consecutive T bases (chr1:237,801,834-237,801,845); duplicating any one gives the same sequence. VCF-style (leftmost placement, unchanged base first): chr1-237801833-A-AT. GRCh37 (hg19) VCF-style: chr1-237965133-A-AT.
Other names: c.14091-11dup (NM_001035.3); c.14091-11dupT (NM_001035.2).
Identifiers: ClinVar variation 43736 (VCV000043736.13), dbSNP rs35563566, ClinGen allele CA008135.